The following is an entry in ClinVar:

ClinVar aggregate classification (germline): Benign/Likely benign. Review status: criteria provided, multiple submitters, no conflicts (2 of 4 stars). 5 submissions from 5 submitters: Benign (2); Likely benign (3). Last evaluated 2026-02-01.

Conditions:
Radial aplasia-thrombocytopenia syndrome (TAR). Also called: Thrombocytopenia Absent Radius Syndrome; TAR syndrome. Identifiers: Orphanet 3320, MedGen C0175703, MeSH C536940, MONDO:0010121, OMIM 274000.

Allele frequency attached by ClinVar (database versions not stated): gnomAD 0.00450 and 0.00473; 1000 Genomes Project 0.00499; 1000 Genomes Project 30x 0.00515; ESP Exome Variant Server 0.00500; TOPMed 0.00501.

Submissions (5):

Labcorp Genetics (formerly Invitae), Labcorp
Classification: Benign for Radial aplasia-thrombocytopenia syndrome. Last evaluated: 2026-02-01. Review status: criteria provided, single submitter. Criteria: Invitae Variant Classification Sherloc (09022015). Collection method: clinical testing. Allele origin: germline.

Blueprint Genetics
Classification: Likely benign. Last evaluated: 2024-08-06. Review status: criteria provided, single submitter. Criteria: ACMG Guidelines, 2015. Collection method: clinical testing. Allele origin: germline.

Mayo Clinic Laboratories, Mayo Clinic
Classification: Benign. Last evaluated: 2024-03-28. Review status: criteria provided, single submitter. Criteria: ACMG Guidelines, 2015. Collection method: clinical testing. Allele origin: germline. Observed: 5 variant alleles.
Comment: BS1, BS2, BP4, BP7

Genetic Services Laboratory, University of Chicago
Classification: Likely benign. Last evaluated: 2015-09-30. Review status: criteria provided, single submitter. Criteria: ACMG Guidelines, 2015. Collection method: clinical testing. Allele origin: germline. Affected: no.

Breakthrough Genomics
Classification: Likely benign. Review status: criteria provided, single submitter. Criteria: ACMG Guidelines, 2015. Collection method: not provided. Allele origin: germline. Inheritance: Autosomal recessive inheritance. Affected: yes.

NM_005105.5(RBM8A):c.240C>T (p.Val80=)

Genes: RBM8A (RNA binding motif protein 8A; minus strand), LOC126805851 (MED14-independent group 3 enhancer GRCh37_chr1:145507474-145508673; plus strand). Cytogenetic location: 1q21.1.
Variant type: single nucleotide variant.
Coding change: c.240C>T on transcript NM_005105.5 (MANE Select); coding-DNA position 240, C replaced by T.
Protein change: p.Val80=; no amino-acid change (valine 80 retained).
Molecular consequence: synonymous variant.
Genome position (GRCh38, 1-based): chr1:145,926,584, G>A on the plus strand (C>T on the coding strand, the complement: RBM8A is on the minus strand). VCF-style: chr1-145926584-G-A. GRCh37 (hg19) VCF-style: chr1-145508509-C-T.
Other names: p.Val80=.
Identifiers: ClinVar variation 436517 (VCV000436517.19), dbSNP rs1806851, ClinGen allele CA1055323.
Genomic context (GRCh38, chr1:145,926,584, plus strand): 5'-TTTAATTTCCCCATATTCTGCGAATTTGTCGTGTATGTCTTCTTCGGTGGCTTCCTCATG[G>A]ACTCCAGTTACAAAGAGAATCCAGCCTTCAACAGCTGTTGGGGGACGGGGGGAAGTTGTA-3'
Protein context (NP_005096.1, residues 70-90): VEGWILFVTG[Val80=]HEEATEEDIH